The following is an entry in ClinVar:

ClinVar aggregate classification (germline): Uncertain significance (1 of 4 stars; one submission).

Conditions:
Cardiovascular phenotype. Identifiers: MedGen CN230736.

Submission:

Ambry Genetics
Classification: Uncertain significance for Cardiovascular phenotype. Last evaluated: 2025-04-05. Review status: criteria provided, single submitter. Criteria: Ambry Variant Classification Scheme 2023. Collection method: clinical testing. Allele origin: germline.
Comment: The p.T1522S variant (also known as c.4565C>G), located in coding exon 38 of the ANK2 gene, results from a C to G substitution at nucleotide position 4565. The threonine at codon 1522 is replaced by serine, an amino acid with similar properties. This amino acid position is conserved. In addition, this alteration is predicted to be tolerated by in silico analysis. Based on the available evidence, the clinical significance of this variant remains unclear.

NM_001148.6(ANK2):c.4565C>G (p.Thr1522Ser)

Gene: ANK2 (ankyrin 2; plus strand). Cytogenetic location: 4q26.
Variant type: single nucleotide variant.
Coding change: c.4565C>G on transcript NM_001148.6 (MANE Select); coding-DNA position 4565, C replaced by G.
Protein change: p.Thr1522Ser; replaces threonine 1522 with serine.
Molecular consequence: missense variant. On other transcripts: intron variant (68).
Genome position (GRCh38, 1-based): chr4:113,353,183, C>G. VCF-style: chr4-113353183-C-G. GRCh37 (hg19) VCF-style: chr4-114274339-C-G.
Other names: c.4331C>G, p.Thr1444Ser (NM_001386142.1); c.965C>G, p.Thr322Ser (NM_001386166.1); c.4706C>G, p.Thr1569Ser (NM_001386174.1); c.4682C>G, p.Thr1561Ser (NM_001386175.1); c.4411+2934C>G (NM_001386186.2, NM_001386148.2); c.4213+2934C>G (NM_001354269.3); c.4291+2934C>G (NM_001386187.2); c.4252+2934C>G (NM_001386147.1); and 35 more; short protein forms T1522S, T322S, T1561S, T1569S, T1444S.
Identifiers: ClinVar variation 4050900 (VCV004050900.1).